The following is an entry in ClinVar:

NM_000540.3(RYR1):c.2135C>T (p.Ser712Phe)

Gene: RYR1 (ryanodine receptor 1; plus strand). Cytogenetic location: 19q13.2.
Variant type: single nucleotide variant.
Coding change: c.2135C>T on transcript NM_000540.3 (MANE Select); coding-DNA position 2135, C replaced by T.
Protein change: p.Ser712Phe; replaces serine 712 with phenylalanine.
Molecular consequence: missense variant.
Genome position (GRCh38, 1-based): chr19:38,458,260, C>T. VCF-style: chr19-38458260-C-T. GRCh37 (hg19) VCF-style: chr19-38948900-C-T.
Other names: c.2135C>T, p.Ser712Phe (NM_001042723.2); short protein forms S712F.
Identifiers: ClinVar variation 4755795 (VCV004755795.1).

ClinVar aggregate classification (germline): Uncertain significance (1 of 4 stars; one submission).

Submission:

GeneDx
Classification: Uncertain significance. Last evaluated: 2025-08-05. Review status: criteria provided, single submitter. Criteria: GeneDx Variant Classification Process June 2021. Collection method: clinical testing. Allele origin: germline. Affected: yes.
Comment: Not observed at significant frequency in large population cohorts (gnomAD); In silico analysis supports that this missense variant has a deleterious effect on protein structure/function; Has not been previously published as pathogenic or benign to our knowledge